The following is an entry in ClinVar:

NM_005419.4(STAT2):c.2299C>G (p.Leu767Val)

Gene: STAT2 (signal transducer and activator of transcription 2; minus strand). Cytogenetic location: 12q13.3.
Variant type: single nucleotide variant.
Coding change: c.2299C>G on transcript NM_005419.4 (MANE Select); coding-DNA position 2299, C replaced by G.
Protein change: p.Leu767Val; replaces leucine 767 with valine.
Molecular consequence: missense variant.
Genome position (GRCh38, 1-based): chr12:56,343,939, G>C on the plus strand (C>G on the coding strand, the complement: STAT2 is on the minus strand). VCF-style: chr12-56343939-G-C. GRCh37 (hg19) VCF-style: chr12-56737723-G-C.
Other names: c.2266C>G, p.Leu756Val (NM_001385110.1); c.2200C>G, p.Leu734Val (NM_001385111.1); c.2299C>G, p.Leu767Val (NM_001385113.1); c.2278C>G, p.Leu760Val (NM_001385114.1); c.2257C>G, p.Leu753Val (NM_001385115.1); c.2287C>G, p.Leu763Val (NM_198332.2); short protein forms L734V, L767V, L753V, L756V, L763V, L760V.
Identifiers: ClinVar variation 1460799 (VCV001460799.8), dbSNP rs2136033628, ClinGen allele CA385258933.

ClinVar aggregate classification (germline): Uncertain significance (1 of 4 stars; one submission).

Conditions:
Primary immunodeficiency with post-measles-mumps-rubella vaccine viral infection. Also called: Immunodeficiency 44. Identifiers: Orphanet 431166, MedGen C4225260, MONDO:0014715, OMIM 616636.

Allele frequency attached by ClinVar (database versions not stated): gnomAD exomes below 0.00001.
gnomAD v4.1: 2 of 1,614,182 alleles (0.00012%); highest among the groups gnomAD compares: Non-Finnish European, 0.00017%; no homozygotes.

Submission:

Labcorp Genetics (formerly Invitae), Labcorp
Classification: Uncertain significance for Primary immunodeficiency with post-measles-mumps-rubella vaccine viral infection. Last evaluated: 2021-03-26. Review status: criteria provided, single submitter. Criteria: Invitae Variant Classification Sherloc (09022015). Collection method: clinical testing. Allele origin: germline.
Comment: This sequence change replaces leucine with valine at codon 767 of the STAT2 protein (p.Leu767Val). The leucine residue is moderately conserved and there is a small physicochemical difference between leucine and valine. In summary, the available evidence is currently insufficient to determine the role of this variant in disease. Therefore, it has been classified as a Variant of Uncertain Significance. Algorithms developed to predict the effect of sequence changes on RNA splicing suggest that this variant may create or strengthen a splice site, but this prediction has not been confirmed by published transcriptional studies. Algorithms developed to predict the effect of missense changes on protein structure and function are either unavailable or do not agree on the potential impact of this missense change (SIFT: "Deleterious"; PolyPhen-2: "Benign"; Align-GVGD: "Class C0"). This variant has not been reported in the literature in individuals with STAT2-related conditions. This variant is not present in population databases (ExAC no frequency).